The following is an entry in ClinVar:

ClinVar aggregate classification (germline): Uncertain significance (1 of 4 stars; one submission).

Conditions:
Cardiovascular phenotype. Identifiers: MedGen CN230736.

Submission:

Ambry Genetics
Classification: Uncertain significance for Cardiovascular phenotype. Last evaluated: 2026-08-26. Review status: criteria provided, single submitter. Criteria: Ambry Variant Classification Scheme 2023. Collection method: clinical testing. Allele origin: germline.
Comment: The c.4404delA variant, located in coding exon 17 of the AKAP9 gene, results from a deletion of one nucleotide at nucleotide position 4404, causing a translational frameshift with a predicted alternate stop codon (p.E1469Kfs*23). The evidence for this gene-disease relationship is limited; therefore, the clinical significance of this variant is unclear.

NM_005751.5(AKAP9):c.4404del (p.Glu1469fs)

Gene: AKAP9 (A-kinase anchoring protein 9; plus strand). Cytogenetic location: 7q21.2.
Variant type: Deletion.
Coding change: c.4404del on transcript NM_005751.5 (MANE Select); coding-DNA position 4404, one base deleted (A; older notation c.4404delA).
Protein change: p.Glu1469fs; shifts the reading frame from glutamic acid 1469.
Molecular consequence: frameshift variant.
Genome position (GRCh38, 1-based): chr7:92,038,484, A deleted; the last of 4 consecutive A bases (chr7:92,038,481-92,038,484); deleting any one gives the same sequence. VCF-style (leftmost placement, unchanged base first): chr7-92038480-GA-G. GRCh37 (hg19) VCF-style: chr7-91667794-GA-G.
Other names: c.4404del, p.Glu1469fs (NM_147185.3); short protein forms E1469fs.
Identifiers: ClinVar variation 5034189 (VCV005034189.1).